The following is an entry in ClinVar:

NM_022489.4(INF2):c.2289A>T (p.Arg763Ser)

Gene: INF2 (inverted formin 2; plus strand). Cytogenetic location: 14q32.33.
Variant type: single nucleotide variant.
Coding change: c.2289A>T on transcript NM_022489.4 (MANE Select); coding-DNA position 2289, A replaced by T.
Protein change: p.Arg763Ser; replaces arginine 763 with serine.
Molecular consequence: missense variant. On other transcripts: non-coding transcript variant (1).
Genome position (GRCh38, 1-based): chr14:104,710,986, A>T. VCF-style: chr14-104710986-A-T. GRCh37 (hg19) VCF-style: chr14-105177323-A-T.
Other names: c.2289A>T, p.Arg763Ser (NM_001031714.4, NM_001426862.1, NM_001426863.1 and 2 more transcripts); short protein forms R763S.
Identifiers: ClinVar variation 4783227 (VCV004783227.1).

ClinVar aggregate classification (germline): Uncertain significance (1 of 4 stars; one submission).

Conditions:
Focal segmental glomerulosclerosis 5 (FSGS5). Identifiers: Orphanet 656, MedGen C2750475, MONDO:0013191, OMIM 613237.
Charcot-Marie-Tooth disease dominant intermediate E. Also called: CHARCOT-MARIE-TOOTH NEUROPATHY WITH FOCAL SEGMENTAL GLOMERULONEPHRITIS. Identifiers: Orphanet 93114, MedGen C4302667, MONDO:0013758, OMIM 614455.

Submission:

Labcorp Genetics (formerly Invitae), Labcorp
Classification: Uncertain significance for Charcot-Marie-Tooth disease dominant intermediate E; Focal segmental glomerulosclerosis 5. Last evaluated: 2025-04-27. Review status: criteria provided, single submitter. Criteria: Invitae Variant Classification Sherloc (09022015). Collection method: clinical testing. Allele origin: germline.
Comment: This sequence change replaces arginine, which is basic and polar, with serine, which is neutral and polar, at codon 763 of the INF2 protein (p.Arg763Ser). This variant is not present in population databases (gnomAD no frequency). This variant has not been reported in the literature in individuals affected with INF2-related conditions. Invitae Evidence Modeling of protein sequence and biophysical properties (such as structural, functional, and spatial information, amino acid conservation, physicochemical variation, residue mobility, and thermodynamic stability) indicates that this missense variant is not expected to disrupt INF2 protein function with a negative predictive value of 95%. In summary, the available evidence is currently insufficient to determine the role of this variant in disease. Therefore, it has been classified as a Variant of Uncertain Significance.